The following is an entry in ClinVar:

ClinVar aggregate classification (germline): Uncertain significance. Review status: criteria provided, single submitter (1 of 4 stars). 2 submissions from 2 submitters: Uncertain significance (1). 1 of the submissions does not count toward it. Last evaluated 2025-11-03.

Conditions:
MHC class II deficiency. Also called: Bare lymphocyte syndrome 2; BLS, TYPE II. Identifiers: Orphanet 572, MedGen C5447452, MONDO:0008855.

Allele frequency attached by ClinVar (database versions not stated): gnomAD 0.00001; gnomAD exomes 0.00001.
gnomAD v4.1: 4 of 1,614,106 alleles (0.00025%); highest among the groups gnomAD compares: African/African-American, 0.0013%; no homozygotes.

Submissions (2):

Labcorp Genetics (formerly Invitae), Labcorp
Classification: Uncertain significance for MHC class II deficiency. Last evaluated: 2025-11-03. Review status: criteria provided, single submitter. Criteria: Invitae Variant Classification Sherloc (09022015). Collection method: clinical testing. Allele origin: germline.
Comment: This sequence change replaces arginine, which is basic and polar, with histidine, which is basic and polar, at codon 756 of the CIITA protein (p.Arg756His). This variant is present in population databases (no rsID available, gnomAD 0.002%). This variant has not been reported in the literature in individuals affected with CIITA-related conditions. ClinVar contains an entry for this variant (Variation ID: 941067). An algorithm developed to predict the effect of missense changes on protein structure and function outputs the following: PolyPhen-2: "Benign". The histidine amino acid residue is found in multiple mammalian species, which suggests that this missense change does not adversely affect protein function. In summary, the available evidence is currently insufficient to determine the role of this variant in disease. Therefore, it has been classified as a Variant of Uncertain Significance.

Natera, Inc.
Classification: Uncertain significance for Bare lymphocyte syndrome type II. Last evaluated: 2021-08-13. Review status: no assertion criteria provided. Collection method: clinical testing. Allele origin: germline. Not counted in ClinVar's aggregate classification.

NM_000246.4(CIITA):c.2267G>A (p.Arg756His)

Gene: CIITA (class II major histocompatibility complex transactivator; plus strand). Cytogenetic location: 16p13.13.
Variant type: single nucleotide variant.
Coding change: c.2267G>A on transcript NM_000246.4 (MANE Select); coding-DNA position 2267, G replaced by A.
Protein change: p.Arg756His; replaces arginine 756 with histidine.
Molecular consequence: missense variant. On other transcripts: intron variant (1).
Genome position (GRCh38, 1-based): chr16:10,907,759, G>A. VCF-style: chr16-10907759-G-A. GRCh37 (hg19) VCF-style: chr16-11001616-G-A.
Other names: c.2270G>A, p.Arg757His (NM_001286402.1, NM_001379332.1); c.2123G>A, p.Arg708His (NM_001379330.1); c.2120G>A, p.Arg707His (NM_001379331.1); c.2267G>A, p.Arg756His (NM_001379333.1); c.2198G>A, p.Arg733His (NM_001379334.1); c.860-1224G>A (NM_001286403.2); short protein forms R757H, R707H, R708H, R733H, R756H.
Identifiers: ClinVar variation 941067 (VCV000941067.9), dbSNP rs1248790122, ClinGen allele CA394732828.
Genomic context (GRCh38, chr16:10,907,759, plus strand): 5'-ACCTAGCATTGACCCCAAGGAAGAAGAGGCCCTATGACAACTGGCTGGAGGGCGTGCCAC[G>A]CTTTCTGGCTGGGCTGATCTTCCAGCCTCCCGCCCGCTGCCTGGGAGCCCTACTCGGGCC-3'
Protein context (NP_000237.2, residues 746-766): PYDNWLEGVP[Arg756His]FLAGLIFQPP